The following is an entry in ClinVar:

ClinVar aggregate classification (germline): Likely benign (1 of 4 stars; one submission).

Submission:

CeGaT Center for Human Genetics Tuebingen
Classification: Likely benign. Last evaluated: 2025-08-01. Review status: criteria provided, single submitter. Criteria: CeGaT Center For Human Genetics Tuebingen Variant Classification Criteria Version 2. Collection method: clinical testing. Allele origin: germline. Affected: yes. Observed: 1 variant allele.
Comment: GPC3: PM2:Supporting, BP4, BP7

NM_004484.4(GPC3):c.564T>C (p.Pro188=)

Gene: GPC3 (glypican 3; minus strand). Cytogenetic location: Xq26.2.
Variant type: single nucleotide variant.
Coding change: c.564T>C on transcript NM_004484.4 (MANE Select); coding-DNA position 564, T replaced by C.
Protein change: p.Pro188=; no amino-acid change (proline 188 retained).
Molecular consequence: synonymous variant.
Genome position (GRCh38, 1-based): chrX:133,753,950, A>G on the plus strand (T>C on the coding strand, the complement: GPC3 is on the minus strand). VCF-style: chrX-133753950-A-G. GRCh37 (hg19) VCF-style: chrX-132887977-A-G.
Other names: c.564T>C, p.Pro188= (NM_001164617.2); c.516T>C, p.Pro172= (NM_001164618.2); c.402T>C, p.Pro134= (NM_001164619.2).
Identifiers: ClinVar variation 4084764 (VCV004084764.8).